The following is an entry in ClinVar:

NM_001256447.2(BCAP31):c.617A>G (p.Glu206Gly)

Gene: BCAP31 (B cell receptor associated protein 31; minus strand). Cytogenetic location: Xq28.
Variant type: single nucleotide variant.
Coding change: c.617A>G on transcript NM_001256447.2 (MANE Select); coding-DNA position 617, A replaced by G.
Protein change: p.Glu206Gly; replaces glutamic acid 206 with glycine.
Molecular consequence: missense variant.
Genome position (GRCh38, 1-based): chrX:153,702,092, T>C on the plus strand (A>G on the coding strand, the complement: BCAP31 is on the minus strand). VCF-style: chrX-153702092-T-C. GRCh37 (hg19) VCF-style: chrX-152967547-T-C.
Other names: c.617A>G, p.Glu206Gly (NM_001139441.1, NM_005745.8); c.818A>G, p.Glu273Gly (NM_001139457.2); short protein forms E273G, E206G.
Identifiers: ClinVar variation 2885140 (VCV002885140.3), dbSNP rs2522188221, ClinGen allele CA415093217.
Genomic context (GRCh38, chrX:153,702,092, plus strand): 5'-AAGCGGTCGTACTCCTTGGTGAGGCCCTCAGACTGCTTCCGCATGGCCAGAACCTGGTTT[T>C]CAGCTTTCTCTAGTTCTTGAAATGATGTAAATGACCAAGAAAACAGAAACGAAAAGACAG-3'
Protein context (NP_001243376.1, residues 196-216): ASTKQKLEKA[Glu206Gly]NQVLAMRKQS

ClinVar aggregate classification (germline): Uncertain significance (1 of 4 stars; one submission).

Submission:

Labcorp Genetics (formerly Invitae), Labcorp
Classification: Uncertain significance. Last evaluated: 2023-05-31. Review status: criteria provided, single submitter. Criteria: Invitae Variant Classification Sherloc (09022015). Collection method: clinical testing. Allele origin: germline.
Comment: In summary, the available evidence is currently insufficient to determine the role of this variant in disease. Therefore, it has been classified as a Variant of Uncertain Significance. An algorithm developed to predict the effect of missense changes on protein structure and function (PolyPhen-2) suggests that this variant is likely to be disruptive. This variant has not been reported in the literature in individuals affected with BCAP31-related conditions. This variant is not present in population databases (gnomAD no frequency). This sequence change replaces glutamic acid, which is acidic and polar, with glycine, which is neutral and non-polar, at codon 206 of the BCAP31 protein (p.Glu206Gly).